The following is an entry in ClinVar:

ClinVar aggregate classification (germline): Uncertain significance (1 of 4 stars; one submission).

Submission:

GeneDx
Classification: Uncertain significance. Last evaluated: 2022-12-08. Review status: criteria provided, single submitter. Criteria: GeneDx Variant Classification Process June 2021. Collection method: clinical testing. Allele origin: germline. Affected: yes.
Comment: Not observed at significant frequency in large population cohorts (gnomAD); In silico analysis supports that this missense variant does not alter protein structure/function; Has not been previously published as pathogenic or benign to our knowledge

NM_205768.3(ZBTB18):c.421G>A (p.Glu141Lys)

Gene: ZBTB18 (zinc finger and BTB domain containing 18; plus strand). Cytogenetic location: 1q44.
Variant type: single nucleotide variant.
Coding change: c.421G>A on transcript NM_205768.3 (MANE Select); coding-DNA position 421, G replaced by A.
Protein change: p.Glu141Lys; replaces glutamic acid 141 with lysine.
Molecular consequence: missense variant.
Genome position (GRCh38, 1-based): chr1:244,054,195, G>A. VCF-style: chr1-244054195-G-A. GRCh37 (hg19) VCF-style: chr1-244217497-G-A.
Other names: c.394G>A, p.Glu132Lys (NM_001278196.2, NM_006352.5); c.421G>A, p.Glu141Lys (NM_001421566.1); short protein forms E132K, E141K.
Identifiers: ClinVar variation 2504841 (VCV002504841.1), dbSNP rs2527556219, ClinGen allele CA345672870.